The following is an entry in ClinVar:

NC_000015.9:g.(?_48762825)_(48762959_?)del

Gene: FBN1 (fibrillin 1; minus strand). Cytogenetic location: 15q21.1.
Variant type: Deletion.
Identifiers: ClinVar variation 1068405 (VCV001068405.7).

ClinVar aggregate classification (germline): Likely pathogenic (1 of 4 stars; one submission).

Conditions:
Marfan syndrome (MFS). Also called: FBN1-Related Marfan Syndrome; MARFAN SYNDROME, TYPE I; Marfan syndrome type 1; Marfan's syndrome; Marfan syndrome, classic. Identifiers: Orphanet 284963, Orphanet 558, MedGen C0024796, MONDO:0007947, OMIM 154700.
Familial thoracic aortic aneurysm and aortic dissection (TAAD). Also called: Thoracic aortic aneurysms and dissections. Identifiers: Orphanet 91387, MedGen C4707243, MONDO:0019625.

Submission:

Labcorp Genetics (formerly Invitae), Labcorp
Classification: Likely pathogenic for Marfan syndrome; Familial thoracic aortic aneurysm and aortic dissection. Last evaluated: 2016-07-05. Review status: criteria provided, single submitter. Criteria: Invitae Variant Classification Sherloc (09022015). Collection method: clinical testing. Allele origin: germline.
Comment: This subgenic deletion has not been reported in the literature in individuals with a FBN1-related disease. This variant is a gross deletion of the genomic region encompassing exon 36 of the FBN1 gene. This leads to an in-frame deletion, preserving the integrity of the reading frame. For these reasons, this variant has been classified as Likely Pathogenic. Exon 36 codes for the EGF-like domain 21. Similar single-exon subgenic deletions affecting exons 30-33 (EGF-like domains 15-18) have been reported in individuals affected with Marfan syndrome (PMID: 25944730, 11175294, 18412115).

Literature cited by the submitters: PubMed 25944730; PubMed 11175294; PubMed 18412115.